The following is an entry in ClinVar:

NM_000465.4(BARD1):c.1840G>A (p.Val614Ile)

Gene: BARD1 (BRCA1 associated RING domain 1; minus strand). Cytogenetic location: 2q35.
Variant type: single nucleotide variant.
Coding change: c.1840G>A on transcript NM_000465.4 (MANE Select); coding-DNA position 1840, G replaced by A.
Protein change: p.Val614Ile; replaces valine 614 with isoleucine.
Molecular consequence: missense variant. On other transcripts: non-coding transcript variant (3), intron variant (1).
Genome position (GRCh38, 1-based): chr2:214,745,130, C>T on the plus strand (G>A on the coding strand, the complement: BARD1 is on the minus strand). VCF-style: chr2-214745130-C-T. GRCh37 (hg19) VCF-style: chr2-215609854-C-T.
Other names: c.1783G>A, p.Val595Ile (NM_001282543.2); c.487G>A, p.Val163Ile (NM_001282545.2); c.430G>A, p.Val144Ile (NM_001282548.2); c.365-14622G>A (NM_001282549.2); short protein forms V163I, V144I, V614I, V595I.
Identifiers: ClinVar variation 820168 (VCV000820168.11), dbSNP rs760541768, ClinGen allele CA350452253.
Genomic context (GRCh38, chr2:214,745,130, plus strand): 5'-CAAATTTTAGAATCCAGCATCCATTGAGAATCCCAAGCATACACTTCAAGGTACTTTGAA[C>T]TGCATCACCAGGAACAACAACATGAGTTACTAAAATACAAAAAAAGCAGTAAGAGAAAGA-3'
Protein context (NP_000456.2, residues 604-624): VTHVVVPGDA[Val614Ile]QSTLKCMLGI

ClinVar aggregate classification (germline): Uncertain significance. Review status: criteria provided, multiple submitters, no conflicts (2 of 4 stars). 4 submissions from 4 submitters: Uncertain significance (4). Last evaluated 2024-08-31.

Conditions:
Hereditary cancer-predisposing syndrome. Also called: Neoplastic Syndromes, Hereditary; Tumor predisposition; Hereditary Cancer Syndrome; Hereditary neoplastic syndrome. Identifiers: Orphanet 140162, MedGen C0027672, MeSH D009386, MONDO:0015356.
Familial cancer of breast. Also called: BREAST CANCER, FAMILIAL; Hereditary breast cancer; hereditary breast carcinoma. Identifiers: Orphanet 227535, MedGen C0346153, MONDO:0016419, OMIM 114480. Disease mechanism: loss of function.

Submissions (4):

Labcorp Genetics (formerly Invitae), Labcorp
Classification: Uncertain significance for Familial cancer of breast. Last evaluated: 2024-08-31. Review status: criteria provided, single submitter. Criteria: Invitae Variant Classification Sherloc (09022015). Collection method: clinical testing. Allele origin: germline.
Comment: This sequence change replaces valine, which is neutral and non-polar, with isoleucine, which is neutral and non-polar, at codon 614 of the BARD1 protein (p.Val614Ile). This variant is not present in population databases (gnomAD no frequency). This missense change has been observed in individual(s) with BARD1-related conditions (PMID: 34326862). ClinVar contains an entry for this variant (Variation ID: 820168). An algorithm developed to predict the effect of missense changes on protein structure and function outputs the following: PolyPhen-2: "Benign". The isoleucine amino acid residue is found in multiple mammalian species, which suggests that this missense change does not adversely affect protein function. In summary, the available evidence is currently insufficient to determine the role of this variant in disease. Therefore, it has been classified as a Variant of Uncertain Significance.

Ambry Genetics
Classification: Uncertain significance for Hereditary cancer-predisposing syndrome. Last evaluated: 2023-07-05. Review status: criteria provided, single submitter. Criteria: Ambry Variant Classification Scheme 2023. Collection method: clinical testing. Allele origin: germline.
Comment: The p.V614I variant (also known as c.1840G>A), located in coding exon 9 of the BARD1 gene, results from a G to A substitution at nucleotide position 1840. The valine at codon 614 is replaced by isoleucine, an amino acid with highly similar properties. This amino acid position is not well conserved in available vertebrate species. In addition, this alteration is predicted to be tolerated by in silico analysis. Since supporting evidence is limited at this time, the clinical significance of this alteration remains unclear.

Baylor Genetics
Classification: Uncertain significance for Familial cancer of breast. Last evaluated: 2023-05-30. Review status: criteria provided, single submitter. Criteria: ACMG Guidelines, 2015. Collection method: clinical testing. Allele origin: unknown.

Women's Health and Genetics/Laboratory Corporation of America, LabCorp
Classification: Uncertain significance. Last evaluated: 2022-10-27. Review status: criteria provided, single submitter. Criteria: LabCorp Variant Classification Summary - May 2015. Collection method: clinical testing. Allele origin: germline.

Literature cited by the submitters: PubMed 34326862 (cited by Labcorp Genetics (formerly Invitae), Labcorp).